The following is an entry in ClinVar:

ClinVar aggregate classification (germline): Likely benign. Review status: criteria provided, multiple submitters, no conflicts (2 of 4 stars). 3 submissions from 3 submitters: Likely benign (3). Last evaluated 2025-12-19.

Conditions:
ACTN1-related disorder. Also called: ACTN1-related condition.

Allele frequency attached by ClinVar (database versions not stated): ESP Exome Variant Server 0.00008; gnomAD 0.00014; TOPMed 0.00015; 1000 Genomes Project 30x 0.00016; 1000 Genomes Project 0.00020; ExAC 0.00020.
gnomAD v4.1: 269 of 1,613,864 alleles (0.017%); highest among the groups gnomAD compares: Non-Finnish European, 0.02%; no homozygotes.

Submissions (3):

Labcorp Genetics (formerly Invitae), Labcorp
Classification: Likely benign. Last evaluated: 2025-12-19. Review status: criteria provided, single submitter. Criteria: Invitae Variant Classification Sherloc (09022015). Collection method: clinical testing. Allele origin: germline.

PreventionGenetics, part of Exact Sciences
Classification: Likely benign for ACTN1-related condition. Last evaluated: 2025-11-16. Review status: criteria provided, single submitter. Criteria: ACMG Guidelines, 2015. Collection method: clinical testing. Allele origin: germline.
Comment: This variant is classified as likely benign based on ACMG/AMP sequence variant interpretation guidelines (Richards et al. 2015 PMID: 25741868, with internal and published modifications).

Blueprint Genetics
Classification: Likely benign. Last evaluated: 2024-03-06. Review status: criteria provided, single submitter. Criteria: ACMG Guidelines, 2015. Collection method: clinical testing. Allele origin: germline.

NM_001130004.2(ACTN1):c.1218C>T (p.His406=)

Gene: ACTN1 (actinin alpha 1; minus strand). Cytogenetic location: 14q24.1.
Variant type: single nucleotide variant.
Coding change: c.1218C>T on transcript NM_001130004.2 (MANE Select); coding-DNA position 1218, C replaced by T.
Protein change: p.His406=; no amino-acid change (histidine 406 retained).
Molecular consequence: synonymous variant.
Genome position (GRCh38, 1-based): chr14:68,890,155, G>A on the plus strand (C>T on the coding strand, the complement: ACTN1 is on the minus strand). VCF-style: chr14-68890155-G-A. GRCh37 (hg19) VCF-style: chr14-69356872-G-A.
Other names: c.1218C>T, p.His406= (NM_001102.4, NM_001130005.2, NM_001411035.1); c.1023C>T, p.His341= (NM_001411036.1).
Identifiers: ClinVar variation 2183558 (VCV002183558.6), dbSNP rs370555455, ClinGen allele CA7242442.
Genomic context (GRCh38, chr14:68,890,155, plus strand): 5'-GAAGTGAAGCCCTGGGGGGAGGCAGGAGGCTGGGCTGGCCTCACCGTCAGTCCAGGCCTC[G>A]TGGATGGAGGCCTTCTGCCGGAACTTCTCTGCCAGGTGGTCCAGTCGCTCCAGCCTCCGG-3'
Protein context (NP_001123476.1, residues 396-416): AEKFRQKASI[His406=]EAWTDGKEAM